The following is an entry in ClinVar:

NM_000350.3(ABCA4):c.392T>C (p.Ile131Thr)

Gene: ABCA4 (ATP binding cassette subfamily A member 4; minus strand). Cytogenetic location: 1p22.1.
Variant type: single nucleotide variant.
Coding change: c.392T>C on transcript NM_000350.3 (MANE Select); coding-DNA position 392, T replaced by C.
Protein change: p.Ile131Thr; replaces isoleucine 131 with threonine.
Molecular consequence: missense variant.
Genome position (GRCh38, 1-based): chr1:94,108,627, A>G on the plus strand (T>C on the coding strand, the complement: ABCA4 is on the minus strand). VCF-style: chr1-94108627-A-G. GRCh37 (hg19) VCF-style: chr1-94574183-A-G.
Other names: c.392T>C, p.Ile131Thr (NM_001425324.1); short protein forms I131T.
Identifiers: ClinVar variation 1713598 (VCV001713598.5), dbSNP rs770491448, ClinGen allele CA26895844.

ClinVar aggregate classification (germline): Uncertain significance (1 of 4 stars; one submission).

Submission:

Labcorp Genetics (formerly Invitae), Labcorp
Classification: Uncertain significance. Last evaluated: 2022-11-01. Review status: criteria provided, single submitter. Criteria: Invitae Variant Classification Sherloc (09022015). Collection method: clinical testing. Allele origin: germline.
Comment: In summary, the available evidence is currently insufficient to determine the role of this variant in disease. Therefore, it has been classified as a Variant of Uncertain Significance. Advanced modeling of protein sequence and biophysical properties (such as structural, functional, and spatial information, amino acid conservation, physicochemical variation, residue mobility, and thermodynamic stability) performed at Invitae indicates that this missense variant is not expected to disrupt ABCA4 protein function. This variant has not been reported in the literature in individuals affected with ABCA4-related conditions. This variant is not present in population databases (gnomAD no frequency). This sequence change replaces isoleucine, which is neutral and non-polar, with threonine, which is neutral and polar, at codon 131 of the ABCA4 protein (p.Ile131Thr).